The following is an entry in ClinVar:

ClinVar aggregate classification (germline): Uncertain significance. Review status: criteria provided, multiple submitters, no conflicts (2 of 4 stars). 2 submissions from 2 submitters: Uncertain significance (2). Last evaluated 2024-03-01.

Allele frequency attached by ClinVar (database versions not stated): gnomAD exomes below 0.00001; gnomAD 0.00001; TOPMed 0.00001.
gnomAD v4.1: 7 of 1,613,926 alleles (0.00043%); highest among the groups gnomAD compares: South Asian, 0.0011%; no homozygotes.

Submissions (2):

Labcorp Genetics (formerly Invitae), Labcorp
Classification: Uncertain significance. Last evaluated: 2024-03-01. Review status: criteria provided, single submitter. Criteria: Invitae Variant Classification Sherloc (09022015). Collection method: clinical testing. Allele origin: germline.
Comment: This sequence change replaces arginine, which is basic and polar, with histidine, which is basic and polar, at codon 240 of the CACNA1D protein (p.Arg240His). This variant is present in population databases (no rsID available, gnomAD 0.007%). This variant has not been reported in the literature in individuals affected with CACNA1D-related conditions. ClinVar contains an entry for this variant (Variation ID: 1185876). Advanced modeling of protein sequence and biophysical properties (such as structural, functional, and spatial information, amino acid conservation, physicochemical variation, residue mobility, and thermodynamic stability) performed at Invitae indicates that this missense variant is expected to disrupt CACNA1D protein function with a positive predictive value of 80%. In summary, the available evidence is currently insufficient to determine the role of this variant in disease. Therefore, it has been classified as a Variant of Uncertain Significance.

GeneDx
Classification: Uncertain significance. Last evaluated: 2020-04-10. Review status: criteria provided, single submitter. Criteria: GeneDx Variant Classification Process June 2021. Collection method: clinical testing. Allele origin: germline. Affected: yes.
Comment: In silico analysis, which includes protein predictors and evolutionary conservation, supports a deleterious effect; Has not been previously published as pathogenic or benign to our knowledge

NM_001128840.3(CACNA1D):c.719G>A (p.Arg240His)

Gene: CACNA1D (calcium voltage-gated channel subunit alpha1 D; plus strand). Cytogenetic location: 3p21.1.
Variant type: single nucleotide variant.
Coding change: c.719G>A on transcript NM_001128840.3 (MANE Select); coding-DNA position 719, G replaced by A.
Protein change: p.Arg240His; replaces arginine 240 with histidine.
Molecular consequence: missense variant.
Genome position (GRCh38, 1-based): chr3:53,660,228, G>A. VCF-style: chr3-53660228-G-A. GRCh37 (hg19) VCF-style: chr3-53694255-G-A.
Other names: c.719G>A, p.Arg240His (NM_000720.4, NM_001128839.3); short protein forms R240H.
Identifiers: ClinVar variation 1185876 (VCV001185876.7), dbSNP rs1395204244, ClinGen allele CA353382636.